The following is an entry in ClinVar:

ClinVar aggregate classification (germline): Likely benign (1 of 4 stars; one submission).

Submission:

CeGaT Center for Human Genetics Tuebingen
Classification: Likely benign. Last evaluated: 2025-10-01. Review status: criteria provided, single submitter. Criteria: CeGaT Center For Human Genetics Tuebingen Variant Classification Criteria Version 2. Collection method: clinical testing. Allele origin: germline. Affected: yes. Observed: 1 variant allele.
Comment: NOTCH2: BP4, BP7

NM_024408.4(NOTCH2):c.81G>A (p.Gln27=)

Gene: NOTCH2 (notch receptor 2; minus strand). Cytogenetic location: 1p12.
Variant type: single nucleotide variant.
Coding change: c.81G>A on transcript NM_024408.4 (MANE Select); coding-DNA position 81, G replaced by A.
Protein change: p.Gln27=; no amino-acid change (glutamine 27 retained).
Molecular consequence: synonymous variant.
Genome position (GRCh38, 1-based): chr1:120,029,980, C>T on the plus strand (G>A on the coding strand, the complement: NOTCH2 is on the minus strand). VCF-style: chr1-120029980-C-T. GRCh37 (hg19) VCF-style: chr1-120572603-C-T.
Other names: c.81G>A, p.Gln27= (NM_001200001.2).
Identifiers: ClinVar variation 4534538 (VCV004534538.6).
Genomic context (GRCh38, chr1:120,029,980, plus strand): 5'-GCCATTGTGGTAGGTAACACACATTCCTTCATTTACACAGGGTTCATAGCCATCTCGACA[C>T]TGCAATGCTAAAAATAAAAACAAATGCACATTAGAAGTAAGTCACTAATCATAACCCTCA-3'
Protein context (NP_077719.2, residues 17-37): LCCAAPAHAL[Gln27=]CRDGYEPCVN